The following is an entry in ClinVar:

NM_000282.4(PCCA):c.1746+1G>A

Gene: PCCA (propionyl-CoA carboxylase subunit alpha; plus strand). Cytogenetic location: 13q32.3.
Variant type: single nucleotide variant.
Coding change: c.1746+1G>A on transcript NM_000282.4 (MANE Select); the canonical splice donor site of the intron after coding-DNA position 1746, G replaced by A.
Molecular consequence: splice donor variant.
Genome position (GRCh38, 1-based): chr13:100,368,575, G>A. VCF-style: chr13-100368575-G-A. GRCh37 (hg19) VCF-style: chr13-101020829-G-A.
Other names: c.1746+1G>A (NM_001178004.2, NM_001352605.2, NM_001352609.2); c.1602+1G>A (NM_001352606.2); c.801+1G>A (NM_001352610.2, NM_001352611.2); c.657+1G>A (NM_001352612.2); c.1668+1G>A (NM_001127692.3, NM_001352607.2); c.1524+1G>A (NM_001352608.2).
Identifiers: ClinVar variation 1459857 (VCV001459857.9), dbSNP rs2075369142, ClinGen allele CA388698364.

ClinVar aggregate classification (germline): Pathogenic. Review status: criteria provided, multiple submitters, no conflicts (2 of 4 stars). 3 submissions from 3 submitters: Pathogenic (3). Last evaluated 2024-09-26.

Conditions:
Propionic acidemia (PROP). Also called: GLYCINEMIA, KETOTIC; HYPERGLYCINEMIA WITH KETOACIDOSIS AND LEUKOPENIA; KETOTIC HYPERGLYCINEMIA. Identifiers: Orphanet 35, MedGen C0268579, MONDO:0011628, OMIM 606054, HP:0003571.

Allele frequency attached by ClinVar (database versions not stated): gnomAD 0.00001.

Submissions (3):

Women's Health and Genetics/Laboratory Corporation of America, LabCorp
Classification: Pathogenic for Propionic acidemia. Last evaluated: 2024-09-26. Review status: criteria provided, single submitter. Criteria: LabCorp Variant Classification Summary - May 2015. Collection method: clinical testing. Allele origin: germline.
Comment: Variant summary: PCCA c.1746+1G>A is located in a canonical splice-site and is predicted to affect mRNA splicing resulting in a significantly altered protein due to either exon skipping, shortening, or inclusion of intronic material. Variants that disrupt the consensus splice site are a relatively common cause of aberrant splicing and loss of PCCA function. Several computational tools predict a significant impact on normal splicing: Four predict the variant abolishes a 5' splicing donor site. However, these predictions have yet to be confirmed by functional studies. The variant was absent in 251064 control chromosomes (gnomAD). c.1746+1G>A has been reported in the literature in homozygous individuals affected with propionic acidemia (examples: Barends_2014, Tims_2022). These data indicate that the variant is likely to be associated with disease. To our knowledge, no experimental evidence demonstrating an impact on protein function has been reported. The following publications have been ascertained in the context of this evaluation (PMID: 25047749, 36274442). ClinVar contains an entry for this variant (Variation ID: 1459857). Based on the evidence outlined above, the variant was classified as pathogenic.

Baylor Genetics
Classification: Pathogenic for Propionic acidemia. Last evaluated: 2023-12-19. Review status: criteria provided, single submitter. Criteria: ACMG Guidelines, 2015. Collection method: clinical testing. Allele origin: unknown.

Labcorp Genetics (formerly Invitae), Labcorp
Classification: Pathogenic for Propionic acidemia. Last evaluated: 2022-11-24. Review status: criteria provided, single submitter. Criteria: Invitae Variant Classification Sherloc (09022015). Collection method: clinical testing. Allele origin: germline.
Comment: This sequence change affects a donor splice site in intron 19 of the PCCA gene. It is expected to disrupt RNA splicing. Variants that disrupt the donor or acceptor splice site typically lead to a loss of protein function (PMID: 16199547), and loss-of-function variants in PCCA are known to be pathogenic (PMID: 15464417). This variant is not present in population databases (gnomAD no frequency). Disruption of this splice site has been observed in individual(s) with propionic acidemia (PMID: 25047749). ClinVar contains an entry for this variant (Variation ID: 1459857). Algorithms developed to predict the effect of sequence changes on RNA splicing suggest that this variant may disrupt the consensus splice site. For these reasons, this variant has been classified as Pathogenic.

Literature cited by the submitters: PubMed 25047749 (cited by Women's Health and Genetics/Laboratory Corporation of America, LabCorp and Labcorp Genetics (formerly Invitae), Labcorp); PubMed 36274442 (cited by Women's Health and Genetics/Laboratory Corporation of America, LabCorp); PubMed 16199547 (cited by Labcorp Genetics (formerly Invitae), Labcorp); PubMed 15464417 (cited by Labcorp Genetics (formerly Invitae), Labcorp).